The following is an entry in ClinVar:

NM_020436.5(SALL4):c.639G>A (p.Trp213Ter)

Gene: SALL4 (spalt like transcription factor 4; minus strand). Cytogenetic location: 20q13.2.
Variant type: single nucleotide variant.
Coding change: c.639G>A on transcript NM_020436.5 (MANE Select); coding-DNA position 639, G replaced by A.
Protein change: p.Trp213Ter; replaces tryptophan 213 with a stop codon.
Molecular consequence: nonsense.
Genome position (GRCh38, 1-based): chr20:51,791,844, C>T on the plus strand (G>A on the coding strand, the complement: SALL4 is on the minus strand). VCF-style: chr20-51791844-C-T. GRCh37 (hg19) VCF-style: chr20-50408383-C-T.
Other names: c.639G>A, p.Trp213Ter (NM_001318031.2); short protein forms W213*.
Identifiers: ClinVar variation 4851584 (VCV004851584.1).
Genomic context (GRCh38, chr20:51,791,844, plus strand): 5'-CTCGGTGAGCTGGATCTGCTGTAGCTGCTGCTGCTGCAGACACAAGATCTGCTCGAGGAC[C>T]CACGGGATGCTGTTGGCACCAGGCACGGGGGCAGGGAGTGCATCCGCGCTCCGCTGATTC-3'

ClinVar aggregate classification (germline): Likely pathogenic (1 of 4 stars; one submission).

Conditions:
Duane-radial ray syndrome (DRRS). Also called: ACRORENOOCULAR SYNDROME; DR SYNDROME; DUANE ANOMALY WITH RADIAL RAY ABNORMALITIES AND DEAFNESS; Okihiro Syndrome; Duane-Radial Ray Syndrome/Okihiro Syndrome; Duane-Radial Ray Syndrome (DRRS) / Okihiro Syndrome. Identifiers: Orphanet 93293, Orphanet 959, MedGen C1623209, MONDO:0011812, OMIM 607323. Disease mechanism: gain of function.

Submission:

CGC Genetics, Unilabs
Classification: Likely pathogenic for Duane-radial ray syndrome. Last evaluated: 2025-11-03. Review status: criteria provided, single submitter. Criteria: ACMG Guidelines, 2015. Collection method: clinical testing. Allele origin: germline. Inheritance: Autosomal dominant inheritance. Affected: yes. Observed: 1 variant allele.
Comment: The NM_020436.5:c.639G>A p.(Trp213*) variant, detected in heterozygosity in the exon 2 (of 4) of the SALL4 gene (chr.20) is not described in the literature nor in the population database gnomAD. Due to its nature, a nonsense variant, it is predicted to introduce a premature stop codon, which leads to the creation of a truncated protein and/or a reduction of its expression by mRNA degradation. With the available information, this should be classified as a likely pathogenic variant.